The following is an entry in ClinVar:

ClinVar aggregate classification (germline): Pathogenic (1 of 4 stars; one submission).

Conditions:
GNAS-related disorder. Identifiers: MedGen CN380105.

Submission:

PreventionGenetics, part of Exact Sciences
Classification: Pathogenic for GNAS-related condition. Last evaluated: 2026-04-24. Review status: criteria provided, single submitter. Criteria: ACMG Guidelines, 2015. Collection method: clinical testing. Allele origin: germline.
Comment: The GNAS c.139+2T>G variant is predicted to disrupt the GT donor site and interfere with normal splicing. This variant has been reported in individual with Pseudohypoparathyroidism 1a (Richard et al. 2013. PubMed ID: 23884777; Table S2, Snanoudj et al. 2020. PubMed ID: 31886927). This variant has not been reported in a large population database (gnomAD), indicating this variant is rare. Variants that disrupt the consensus splice donor site in GNAS are expected to be pathogenic. This variant is interpreted as pathogenic.

NM_000516.7(GNAS):c.139+2T>G

Gene: GNAS (GNAS complex locus; plus strand). Cytogenetic location: 20q13.32.
Variant type: single nucleotide variant.
Coding change: c.139+2T>G on transcript NM_000516.7 (MANE Select); the canonical splice donor site of the intron after coding-DNA position 139, T replaced by G.
Molecular consequence: splice donor variant. On other transcripts: intron variant (11).
Genome position (GRCh38, 1-based): chr20:58,891,867, T>G. VCF-style: chr20-58891867-T-G. GRCh37 (hg19) VCF-style: chr20-57466922-T-G.
Other names: c.*43-3745T>G (NM_016592.5); c.44-3745T>G (NM_001410912.1); c.-38-3745T>G (NM_001309861.2); c.*1-3745T>G (NM_001077490.3); c.2069-3745T>G (NM_080425.4, NM_001410913.1); c.*159-3745T>G (NM_001309883.1); c.-39+2514T>G (NM_001438273.1, NM_001309840.2); c.-39+2535T>G (NM_001439291.1, NM_001438274.1); and 1 more.
Identifiers: ClinVar variation 4991190 (VCV004991190.1).
Genomic context (GRCh38, chr20:58,891,867, plus strand): 5'-GAAGCAGCTGCAGAAGGACAAGCAGGTCTACCGGGCCACGCACCGCCTGCTGCTGCTGGG[T>G]AAGGGCGGGCGGGGGGCGCCGGCCCCGGCCCGGGGGCCCTCGAAGGGCGCCCCGCAGGCC-3'